The following is an entry in ClinVar:

ClinVar aggregate classification (germline): Uncertain significance (1 of 4 stars; one submission).

Conditions:
Brachyolmia-amelogenesis imperfecta syndrome. Also called: PLATYSPONDYLY WITH AMELOGENESIS IMPERFECTA; Tooth agenesis, selective, 6; Dental anomalies and short stature. Identifiers: Orphanet 2899, MedGen C1832594, MONDO:0011018, OMIM 601216. Disease mechanism: loss of function.

Submission:

Labcorp Genetics (formerly Invitae), Labcorp
Classification: Uncertain significance for Brachyolmia-amelogenesis imperfecta syndrome. Last evaluated: 2022-02-03. Review status: criteria provided, single submitter. Criteria: Invitae Variant Classification Sherloc (09022015). Collection method: clinical testing. Allele origin: germline.
Comment: In summary, the available evidence is currently insufficient to determine the role of this variant in disease. Therefore, it has been classified as a Variant of Uncertain Significance. This sequence change replaces threonine, which is neutral and polar, with isoleucine, which is neutral and non-polar, at codon 935 of the LTBP3 protein (p.Thr935Ile). This variant is not present in population databases (gnomAD no frequency). This variant has not been reported in the literature in individuals affected with LTBP3-related conditions. Algorithms developed to predict the effect of missense changes on protein structure and function (SIFT, PolyPhen-2, Align-GVGD) all suggest that this variant is likely to be tolerated.

NM_001130144.3(LTBP3):c.2804C>T (p.Thr935Ile)

Gene: LTBP3 (latent transforming growth factor beta binding protein 3; minus strand). Cytogenetic location: 11q13.1.
Variant type: single nucleotide variant.
Coding change: c.2804C>T on transcript NM_001130144.3 (MANE Select); coding-DNA position 2804, C replaced by T.
Protein change: p.Thr935Ile; replaces threonine 935 with isoleucine.
Molecular consequence: missense variant.
Genome position (GRCh38, 1-based): chr11:65,541,215, G>A on the plus strand (C>T on the coding strand, the complement: LTBP3 is on the minus strand). VCF-style: chr11-65541215-G-A. GRCh37 (hg19) VCF-style: chr11-65308686-G-A.
Other names: c.2453C>T, p.Thr818Ile (NM_001164266.1); c.2804C>T, p.Thr935Ile (NM_021070.4); short protein forms T818I, T935I.
Identifiers: ClinVar variation 1482185 (VCV001482185.8), dbSNP rs2135125492, ClinGen allele CA381268357.